The following is an entry in ClinVar:

ClinVar aggregate classification (germline): Uncertain significance (1 of 4 stars; one submission).

Conditions:
Hypertrophic cardiomyopathy 26. Also called: Cardiomyopathy, familial hypertrophic, 26. Identifiers: Orphanet 75249, MedGen C4310749, MONDO:0014883, OMIM 617047.
Myofibrillar myopathy 5. Also called: Filaminopathy (type); FILAMINOPATHY, AUTOSOMAL DOMINANT. Identifiers: Orphanet 171445, MedGen C1836050, MONDO:0012289, OMIM 609524.
Distal myopathy with posterior leg and anterior hand involvement. Also called: WILLIAMS DISTAL MYOPATHY. Identifiers: Orphanet 63273, MedGen C3279722, MONDO:0013550, OMIM 614065.

Submission:

Labcorp Genetics (formerly Invitae), Labcorp
Classification: Uncertain significance for Distal myopathy with posterior leg and anterior hand involvement; Myofibrillar myopathy 5; Hypertrophic cardiomyopathy 26. Last evaluated: 2025-12-24. Review status: criteria provided, single submitter. Criteria: Invitae Variant Classification Sherloc (09022015). Collection method: clinical testing. Allele origin: germline.
Comment: This sequence change replaces methionine, which is neutral and non-polar, with leucine, which is neutral and non-polar, at codon 21 of the FLNC protein (p.Met21Leu). This variant is not present in population databases (gnomAD no frequency). This variant has not been reported in the literature in individuals affected with FLNC-related conditions. Invitae Evidence Modeling of protein sequence and biophysical properties (such as structural, functional, and spatial information, amino acid conservation, physicochemical variation, residue mobility, and thermodynamic stability) has been performed for this missense variant. However, the output from this modeling did not meet the statistical confidence thresholds required to predict the impact of this variant on FLNC protein function. In summary, the available evidence is currently insufficient to determine the role of this variant in disease. Therefore, it has been classified as a Variant of Uncertain Significance.

NM_001458.5(FLNC):c.61A>T (p.Met21Leu)

Gene: FLNC (filamin C; plus strand). Cytogenetic location: 7q32.1.
Variant type: single nucleotide variant.
Coding change: c.61A>T on transcript NM_001458.5 (MANE Select); coding-DNA position 61, A replaced by T.
Protein change: p.Met21Leu; replaces methionine 21 with leucine.
Molecular consequence: missense variant.
Genome position (GRCh38, 1-based): chr7:128,830,698, A>T. VCF-style: chr7-128830698-A-T. GRCh37 (hg19) VCF-style: chr7-128470752-A-T.
Other names: c.61A>T, p.Met21Leu (NM_001127487.2); short protein forms M21L.
Identifiers: ClinVar variation 4812676 (VCV004812676.1).